The following is an entry in ClinVar:

NM_024741.3(ZNF408):c.1497G>A (p.Pro499=)

Gene: ZNF408 (zinc finger protein 408; plus strand). Cytogenetic location: 11p11.2.
Variant type: single nucleotide variant.
Coding change: c.1497G>A on transcript NM_024741.3 (MANE Select); coding-DNA position 1497, G replaced by A.
Protein change: p.Pro499=; no amino-acid change (proline 499 retained).
Molecular consequence: synonymous variant.
Genome position (GRCh38, 1-based): chr11:46,705,197, G>A. VCF-style: chr11-46705197-G-A. GRCh37 (hg19) VCF-style: chr11-46726747-G-A.
Other names: c.1473G>A, p.Pro491= (NM_001184751.2).
Identifiers: ClinVar variation 713577 (VCV000713577.36), dbSNP rs144957649, ClinGen allele CA5966582.
Genomic context (GRCh38, chr11:46,705,197, plus strand): 5'-CCAGGGCTCCCTGCGGAACCATATGAGGCTCCATACAGGAGAAAAGCCTTTCCTGTGCCC[G>A]CACTGTGGCCGGGCGTTTCGTCAGCGGGGCAACCTGCGTGGGCATTTGCGGCTCCACACC-3'
Protein context (NP_079017.1, residues 489-509): LHTGEKPFLC[Pro499=]HCGRAFRQRG

ClinVar aggregate classification (germline): Benign/Likely benign. Review status: criteria provided, multiple submitters, no conflicts (2 of 4 stars). 5 submissions from 5 submitters: Benign (1); Likely benign (2). 2 of the submissions do not count toward it. Last evaluated 2026-02-01.

Allele frequency attached by ClinVar (database versions not stated): 1000 Genomes Project 0.00140; 1000 Genomes Project 30x 0.00141; ESP Exome Variant Server 0.00208; gnomAD 0.00271; TOPMed 0.00276.

Submissions (5):

Labcorp Genetics (formerly Invitae), Labcorp
Classification: Benign. Last evaluated: 2026-02-01. Review status: criteria provided, single submitter. Criteria: Invitae Variant Classification Sherloc (09022015). Collection method: clinical testing. Allele origin: germline.

Blueprint Genetics
Classification: Likely benign. Last evaluated: 2024-11-20. Review status: criteria provided, single submitter. Criteria: ACMG Guidelines, 2015. Collection method: clinical testing. Allele origin: germline.

CeGaT Center for Human Genetics Tuebingen
Classification: Likely benign. Last evaluated: 2024-01-01. Review status: criteria provided, single submitter. Criteria: CeGaT Center For Human Genetics Tuebingen Variant Classification Criteria Version 2. Collection method: clinical testing. Allele origin: germline. Affected: yes. Observed: 1 variant allele.
Comment: ZNF408: BP4, BP7, BS2

Clinical Genetics DNA and cytogenetics Diagnostics Lab, Erasmus MC, Erasmus Medical Center
Classification: Likely benign. Review status: no assertion criteria provided. Collection method: clinical testing. Allele origin: germline. Affected: yes. Study: VKGL Data-share Consensus. Not counted in ClinVar's aggregate classification.

Clinical Genetics, Academic Medical Center
Classification: Benign. Review status: no assertion criteria provided. Collection method: clinical testing. Allele origin: germline. Affected: yes. Study: VKGL Data-share Consensus. Not counted in ClinVar's aggregate classification.